The following is an entry in ClinVar:

ClinVar aggregate classification (germline): Uncertain significance. Review status: criteria provided, multiple submitters, no conflicts (2 of 4 stars). 2 submissions from 2 submitters: Uncertain significance (2). Last evaluated 2024-10-18.

gnomAD v4.1: 3 of 1,613,722 alleles (0.00019%); highest among the groups gnomAD compares: Non-Finnish European, 0.00025%; no homozygotes.

Submissions (2):

Blueprint Genetics
Classification: Uncertain significance. Last evaluated: 2024-10-18. Review status: criteria provided, single submitter. Criteria: ACMG Guidelines, 2015. Collection method: clinical testing. Allele origin: germline.

GeneDx
Classification: Uncertain significance. Last evaluated: 2023-02-06. Review status: criteria provided, single submitter. Criteria: GeneDx Variant Classification Process June 2021. Collection method: clinical testing. Allele origin: germline. Affected: yes.
Comment: Has not been previously published as pathogenic or benign to our knowledge; Not observed at significant frequency in large population cohorts (gnomAD); In silico analysis supports that this missense variant does not alter protein structure/function

NM_004370.6(COL12A1):c.2449C>T (p.Pro817Ser)

Gene: COL12A1 (collagen type XII alpha 1 chain; minus strand). Cytogenetic location: 6q13.
Variant type: single nucleotide variant.
Coding change: c.2449C>T on transcript NM_004370.6 (MANE Select); coding-DNA position 2449, C replaced by T.
Protein change: p.Pro817Ser; replaces proline 817 with serine.
Molecular consequence: missense variant. On other transcripts: intron variant (1).
Genome position (GRCh38, 1-based): chr6:75,175,299, G>A on the plus strand (C>T on the coding strand, the complement: COL12A1 is on the minus strand). VCF-style: chr6-75175299-G-A. GRCh37 (hg19) VCF-style: chr6-75885015-G-A.
Other names: c.74-22817C>T (NM_080645.3); short protein forms P817S.
Identifiers: ClinVar variation 2574949 (VCV002574949.2), dbSNP rs2533518703, ClinGen allele CA364762662.